The following is an entry in ClinVar:

NM_001025248.2(DUT):c.425A>G (p.Tyr142Cys)

Gene: DUT (deoxyuridine triphosphatase; plus strand). Cytogenetic location: 15q21.1.
Variant type: single nucleotide variant.
Coding change: c.425A>G on transcript NM_001025248.2 (MANE Select); coding-DNA position 425, A replaced by G.
Protein change: p.Tyr142Cys; replaces tyrosine 142 with cysteine.
Molecular consequence: missense variant.
Genome position (GRCh38, 1-based): chr15:48,334,422, A>G. VCF-style: chr15-48334422-A-G. GRCh37 (hg19) VCF-style: chr15-48626619-A-G.
Other names: DUT, TYR142CYS (rs373184762); c.92A>G, p.Tyr31Cys (NM_001025249.1); c.170A>G, p.Tyr57Cys (NM_001330286.2); c.161A>G, p.Tyr54Cys (NM_001948.4); short protein forms Y142C, Y31C, Y54C, Y57C.
Identifiers: ClinVar variation 1706580 (VCV001706580.2), dbSNP rs373184762, ClinGen allele CA7547771.

ClinVar aggregate classification (germline): Likely pathogenic. Review status: criteria provided, single submitter (1 of 4 stars). 2 submissions from 2 submitters: Likely pathogenic (1). 1 of the submissions does not count toward it. Last evaluated 2024-12-03.

Conditions:
Bone marrow failure and diabetes mellitus syndrome (BMFDMS). Identifiers: MedGen C5774218, MONDO:0859288, OMIM 620044.

Allele frequency attached by ClinVar (database versions not stated): gnomAD 0.00004; ExAC 0.00007; TOPMed 0.00008; gnomAD exomes 0.00012; ESP Exome Variant Server 0.00015.
gnomAD v4.1: 176 of 1,580,970 alleles (0.011%); highest among the groups gnomAD compares: Non-Finnish European, 0.015%; no homozygotes.

Submissions (2):

3billion
Classification: Likely pathogenic for Bone marrow failure and diabetes mellitus syndrome. Last evaluated: 2024-12-03. Review status: criteria provided, single submitter. Criteria: ACMG Guidelines, 2015. Collection method: clinical testing. Allele origin: germline. Affected: yes.
Comment: The variant is observed at an extremely low frequency in the gnomAD v4.1.0 dataset (total allele frequency: 0.011%). Predicted Consequence/Location: Missense variant In silico tool predictions suggest damaging effect of the variant on gene or gene product [3Cnet: 0.73 (>=0.6, sensitivity 0.72 and precision 0.9)]. The same nucleotide change resulting in the same amino acid change has been previously reported as pathogenic/likely pathogenic with strong evidence (ClinVar ID: VCV001706580 /PMID: 28073829, VCV001706580). The variant has been reported to be in trans with a pathogenic variant as either compound heterozygous or homozygous in at least one similarly affected unrelated individual (PMID: 35611808, 35931051). Therefore, this variant is classified as Likely pathogenic according to the recommendation of ACMG/AMP guideline.

OMIM
Classification: Pathogenic for BONE MARROW FAILURE AND DIABETES MELLITUS SYNDROME. Last evaluated: 2022-09-22. Review status: no assertion criteria provided. Collection method: literature only. Allele origin: germline. Not counted in ClinVar's aggregate classification.

Literature cited by the submitters: PubMed 35931051 (cited by 3billion and OMIM); PubMed 28073829 (cited by 3billion and OMIM); PubMed 35611808 (cited by 3billion and OMIM); PubMed 9548420 (cited by OMIM).